The following is an entry in ClinVar:

NM_000444.6(PHEX):c.2071-1G>T

Genes: PHEX (phosphate regulating endopeptidase X-linked; plus strand), PTCHD1-AS (PTCHD1 and PHEX antisense RNA; minus strand). Cytogenetic location: Xp22.11.
Variant type: single nucleotide variant.
Coding change: c.2071-1G>T on transcript NM_000444.6 (MANE Select); the canonical splice acceptor site of the intron before coding-DNA position 2071, G replaced by T.
Molecular consequence: splice acceptor variant. On other transcripts: intron variant (1).
Genome position (GRCh38, 1-based): chrX:22,245,332, G>T. VCF-style: chrX-22245332-G-T. GRCh37 (hg19) VCF-style: chrX-22263449-G-T.
Other names: c.2071-2519G>T (NM_001282754.2).
Identifiers: ClinVar variation 1370450 (VCV001370450.7), dbSNP rs886041374, ClinGen allele CA412575161.

ClinVar aggregate classification (germline): Pathogenic (1 of 4 stars; one submission).

Submissions (4):

Labcorp Genetics (formerly Invitae), Labcorp
Classification: Pathogenic. Last evaluated: 2022-08-20. Review status: criteria provided, single submitter. Criteria: Invitae Variant Classification Sherloc (09022015). Collection method: clinical testing. Allele origin: germline.
Comment: For these reasons, this variant has been classified as Pathogenic. Algorithms developed to predict the effect of sequence changes on RNA splicing suggest that this variant may disrupt the consensus splice site. ClinVar contains an entry for this variant (Variation ID: 1370450). Disruption of this splice site has been observed in individuals with hypophosphatemic rickets (PMID: 10737991, 12414858, 22695891; Invitae). This variant is not present in population databases (gnomAD no frequency). This sequence change affects an acceptor splice site in intron 20 of the PHEX gene. It is expected to disrupt RNA splicing. Variants that disrupt the donor or acceptor splice site typically lead to a loss of protein function (PMID: 16199547), and loss-of-function variants in PHEX are known to be pathogenic (PMID: 9097956, 9106524, 19219621).

Dr. Peter K. Rogan Lab, Western University
No classification provided (evidence only). Condition: Thyroid cancer, nonmedullary, 1. Review status: no classification provided. Collection method: in vitro. Allele origin: not applicable. Functional consequence: skipped exon. Not counted in ClinVar's aggregate classification.

Dr. Peter K. Rogan Lab, Western University
No classification provided (evidence only). Condition: Thyroid cancer, nonmedullary, 1. Review status: no classification provided. Collection method: in vitro. Allele origin: not applicable. Functional consequence: skipped exon, retained intron. Not counted in ClinVar's aggregate classification.

Dr. Peter K. Rogan Lab, Western University
No classification provided (evidence only). Condition: Thyroid cancer, nonmedullary, 1. Review status: no classification provided. Collection method: in vitro. Allele origin: not applicable. Functional consequence: retained intron. Not counted in ClinVar's aggregate classification.

Literature cited by the submitters: PubMed 10737991 (cited by Labcorp Genetics (formerly Invitae), Labcorp); PubMed 12414858 (cited by Labcorp Genetics (formerly Invitae), Labcorp); PubMed 22695891 (cited by Labcorp Genetics (formerly Invitae), Labcorp); PubMed 16199547 (cited by Labcorp Genetics (formerly Invitae), Labcorp); PubMed 9097956 (cited by Labcorp Genetics (formerly Invitae), Labcorp); PubMed 9106524 (cited by Labcorp Genetics (formerly Invitae), Labcorp); PubMed 19219621 (cited by Labcorp Genetics (formerly Invitae), Labcorp).